The following is an entry in ClinVar:

NM_003500.4(ACOX2):c.631T>C (p.Ser211Pro)

Gene: ACOX2 (acyl-CoA oxidase 2; minus strand). Cytogenetic location: 3p14.3.
Variant type: single nucleotide variant.
Coding change: c.631T>C on transcript NM_003500.4 (MANE Select); coding-DNA position 631, T replaced by C.
Protein change: p.Ser211Pro; replaces serine 211 with proline.
Molecular consequence: missense variant.
Genome position (GRCh38, 1-based): chr3:58,531,765, A>G on the plus strand (T>C on the coding strand, the complement: ACOX2 is on the minus strand). VCF-style: chr3-58531765-A-G. GRCh37 (hg19) VCF-style: chr3-58517492-A-G.
Other names: short protein forms S211P.
Identifiers: ClinVar variation 3698296 (VCV003698296.2).
Genomic context (GRCh38, chr3:58,531,765, plus strand): 5'-TGTGGTCCTGAAGACTCCGGATTGGCACAATAAAAGCGTGCATGCCCCGCCTGGCTCCTG[A>G]GCAGATCAGCTGGGCCTGGACCAGGGCATGGGTGGCTGACCGTCCCACTGAGGGCAGAGA-3'
Protein context (NP_003491.1, residues 201-221): HALVQAQLIC[Ser211Pro]GARRGMHAFI

ClinVar aggregate classification (germline): Uncertain significance (1 of 4 stars; one submission).

Submission:

Labcorp Genetics (formerly Invitae), Labcorp
Classification: Uncertain significance. Last evaluated: 2025-06-22. Review status: criteria provided, single submitter. Criteria: Invitae Variant Classification Sherloc (09022015). Collection method: clinical testing. Allele origin: germline.
Comment: This sequence change replaces serine, which is neutral and polar, with proline, which is neutral and non-polar, at codon 211 of the ACOX2 protein (p.Ser211Pro). This variant is not present in population databases (gnomAD no frequency). This variant has not been reported in the literature in individuals affected with ACOX2-related conditions. ClinVar contains an entry for this variant (Variation ID: 3698296). Invitae Evidence Modeling of protein sequence and biophysical properties (such as structural, functional, and spatial information, amino acid conservation, physicochemical variation, residue mobility, and thermodynamic stability) indicates that this missense variant is not expected to disrupt ACOX2 protein function with a negative predictive value of 80%. In summary, the available evidence is currently insufficient to determine the role of this variant in disease. Therefore, it has been classified as a Variant of Uncertain Significance.